The following is an entry in ClinVar:

ClinVar aggregate classification (germline): Benign/Likely benign. Review status: criteria provided, multiple submitters, no conflicts (2 of 4 stars). 3 submissions from 3 submitters: Benign (1); Likely benign (2). Last evaluated 2024-11-04.

Conditions:
Hereditary cancer-predisposing syndrome. Also called: Hereditary neoplastic syndrome; Neoplastic Syndromes, Hereditary; Tumor predisposition; Hereditary Cancer Syndrome. Identifiers: Orphanet 140162, MedGen C0027672, MeSH D009386, MONDO:0015356.
Hereditary diffuse gastric adenocarcinoma (HDGC). Also called: DIFFUSE GASTRIC AND LOBULAR BREAST CANCER SYNDROME. Identifiers: Orphanet 26106, MedGen C1708349, MONDO:0007648, OMIM 137215.

Allele frequency attached by ClinVar (database versions not stated): TOPMed below 0.00001.

Submissions (3):

Labcorp Genetics (formerly Invitae), Labcorp
Classification: Likely benign for Hereditary diffuse gastric adenocarcinoma. Last evaluated: 2024-11-04. Review status: criteria provided, single submitter. Criteria: Invitae Variant Classification Sherloc (09022015). Collection method: clinical testing. Allele origin: germline.

Myriad Genetics, Inc.
Classification: Benign for Hereditary diffuse gastric adenocarcinoma. Last evaluated: 2024-09-13. Review status: criteria provided, single submitter. Criteria: Myriad Autosomal Dominant, Autosomal Recessive and X-Linked Classification Criteria (2023). Collection method: clinical testing. Allele origin: unknown.
Comment: This variant is considered benign. This variant is a silent/synonymous amino acid change and it is not expected to impact splicing.

Ambry Genetics
Classification: Likely benign for Hereditary cancer-predisposing syndrome. Last evaluated: 2015-10-31. Review status: criteria provided, single submitter. Criteria: Ambry Variant Classification Scheme 2023. Collection method: clinical testing. Allele origin: germline.

NM_004360.5(CDH1):c.528T>C (p.Val176=)

Gene: CDH1 (cadherin 1; plus strand). Cytogenetic location: 16q22.1.
Variant type: single nucleotide variant.
Coding change: c.528T>C on transcript NM_004360.5 (MANE Select); coding-DNA position 528, T replaced by C.
Protein change: p.Val176=; no amino-acid change (valine 176 retained).
Molecular consequence: synonymous variant. On other transcripts: 5 prime UTR variant (2).
Genome position (GRCh38, 1-based): chr16:68,808,564, T>C. VCF-style: chr16-68808564-T-C. GRCh37 (hg19) VCF-style: chr16-68842467-T-C.
Other names: c.528T>C (LRG_301t1); c.528T>C, p.Val176= (NM_001317184.2); c.-1088T>C (NM_001317185.2); c.-1292T>C (NM_001317186.2).
Identifiers: ClinVar variation 463785 (VCV000463785.15), dbSNP rs1555515230, ClinGen allele CA496392270.